The following is an entry in ClinVar:

NM_000388.4(CASR):c.2167C>A (p.Leu723Met)

Gene: CASR (calcium sensing receptor; plus strand). Cytogenetic location: 3q21.1.
Variant type: single nucleotide variant.
Coding change: c.2167C>A on transcript NM_000388.4 (MANE Select); coding-DNA position 2167, C replaced by A.
Protein change: p.Leu723Met; replaces leucine 723 with methionine.
Molecular consequence: missense variant.
Genome position (GRCh38, 1-based): chr3:122,284,121, C>A. VCF-style: chr3-122284121-C-A. GRCh37 (hg19) VCF-style: chr3-122002968-C-A.
Other names: c.2197C>A, p.Leu733Met (NM_001178065.2); short protein forms L723M, L733M.
Identifiers: ClinVar variation 3231530 (VCV003231530.1), dbSNP rs2107650065, ClinGen allele CA354158863.

ClinVar aggregate classification (germline): Uncertain significance (1 of 4 stars; one submission).

Conditions:
Nephrolithiasis/nephrocalcinosis. Identifiers: MedGen CN580796.

Submission:

Ambry Genetics
Classification: Uncertain significance for Nephrolithiasis/nephrocalcinosis. Last evaluated: 2023-11-29. Review status: criteria provided, single submitter. Criteria: Ambry Variant Classification Scheme 2023. Collection method: clinical testing. Allele origin: germline.
Comment: The p.L723M variant (also known as c.2167C>A), located in coding exon 6 of the CASR gene, results from a C to A substitution at nucleotide position 2167. The leucine at codon 723 is replaced by methionine, an amino acid with highly similar properties. This amino acid position is conserved. In addition, the in silico prediction for this alteration is inconclusive. Since supporting evidence is limited at this time, the clinical significance of this alteration remains unclear.